The following is an entry in ClinVar:

ClinVar aggregate classification (germline): Uncertain significance (1 of 4 stars; one submission).

Conditions:
Distal spinal muscular atrophy. Also called: Distal hereditary motor neuropathy; Distal hereditary motor neuronopathy. Identifiers: Orphanet 53739, MedGen C0393541, MONDO:0018894.

Submission:

Dasa
Classification: Uncertain significance for distal hereditary motor neuropathy. Last evaluated: 2025-09-22. Review status: criteria provided, single submitter. Criteria: DASA Assertion Criteria. Collection method: clinical testing. Allele origin: germline.
Comment: NM_015046.7(SETX):c.5036G>A (p.Ser1679Asn) is a missense variant that results in the substitution of serine with asparagine. This variant is absent from population databases. The currently available literature and clinical evidence are not sufficient to establish a definitive association between this variant and the reported condition. Therefore, this variant is classified as a variant of uncertain significance.

NM_015046.7(SETX):c.5036G>A (p.Ser1679Asn)

Gene: SETX (senataxin; minus strand). Cytogenetic location: 9q34.13.
Variant type: single nucleotide variant.
Coding change: c.5036G>A on transcript NM_015046.7 (MANE Select); coding-DNA position 5036, G replaced by A.
Protein change: p.Ser1679Asn; replaces serine 1679 with asparagine.
Molecular consequence: missense variant.
Genome position (GRCh38, 1-based): chr9:132,326,562, C>T on the plus strand (G>A on the coding strand, the complement: SETX is on the minus strand). VCF-style: chr9-132326562-C-T. GRCh37 (hg19) VCF-style: chr9-135201949-C-T.
Other names: c.5036G>A, p.Ser1679Asn (NM_001351527.2, NM_001351528.2); short protein forms S1679N.
Identifiers: ClinVar variation 4881488 (VCV004881488.2).